The following is an entry in ClinVar:

ClinVar aggregate classification (germline): Conflicting classifications of pathogenicity. Review status: criteria provided, conflicting classifications (1 of 4 stars). 5 submissions from 3 submitters: Uncertain significance (3); Likely benign (2). Last evaluated 2023-02-08.

Conditions:
Familial Mediterranean fever, autosomal dominant. Also called: FMF, AUTOSOMAL DOMINANT; Dominant Familial Mediterranean Fever. Identifiers: Orphanet 342, MedGen C1851347, MONDO:0007601, OMIM 134610.
Familial Mediterranean fever (FMF). Also called: POLYSEROSITIS, FAMILIAL PAROXYSMAL; POLYSEROSITIS, RECURRENT; Periodic peritonitis; Benign paroxysmal peritonitis. Identifiers: Orphanet 342, MedGen C0031069, MONDO:0018088, OMIM 249100. Disease mechanism: gain of function.
Acute febrile neutrophilic dermatosis (AFND). Also called: Sweet Syndrome; Gomm Button disease. Identifiers: Orphanet 3243, MedGen C0085077, MONDO:0011959, OMIM 608068.
Autoinflammatory syndrome. Identifiers: Orphanet 93665, MedGen C3890737, MONDO:0019751.

Allele frequency attached by ClinVar (database versions not stated): gnomAD 0.00001.

Submissions (5):

Genome-Nilou Lab
Classification: Uncertain significance for Familial Mediterranean fever. Last evaluated: 2023-02-08. Review status: criteria provided, single submitter. Criteria: ACMG Guidelines, 2015. Collection method: clinical testing. Allele origin: germline.

Genome-Nilou Lab
Classification: Likely benign for Familial Mediterranean fever, autosomal dominant. Last evaluated: 2023-02-08. Review status: criteria provided, single submitter. Criteria: ACMG Guidelines, 2015. Collection method: clinical testing. Allele origin: germline.

Genome-Nilou Lab
Classification: Likely benign for Acute febrile neutrophilic dermatosis. Last evaluated: 2023-02-08. Review status: criteria provided, single submitter. Criteria: ACMG Guidelines, 2015. Collection method: clinical testing. Allele origin: germline.

Labcorp Genetics (formerly Invitae), Labcorp
Classification: Uncertain significance for Familial Mediterranean fever. Last evaluated: 2021-08-13. Review status: criteria provided, single submitter. Criteria: Invitae Variant Classification Sherloc (09022015). Collection method: clinical testing. Allele origin: germline.
Comment: This sequence change replaces leucine with proline at codon 203 of the MEFV protein (p.Leu203Pro). The leucine residue is moderately conserved and there is a moderate physicochemical difference between leucine and proline. This variant is not present in population databases (ExAC no frequency). This variant has not been reported in the literature in individuals affected with MEFV-related conditions. Algorithms developed to predict the effect of missense changes on protein structure and function output the following: SIFT: "Deleterious"; PolyPhen-2: "Possibly Damaging"; Align-GVGD: "Class C0". The proline amino acid residue is found in multiple mammalian species, which suggests that this missense change does not adversely affect protein function. In summary, the available evidence is currently insufficient to determine the role of this variant in disease. Therefore, it has been classified as a Variant of Uncertain Significance.

Genome Diagnostics Laboratory, The Hospital for Sick Children
Classification: Uncertain significance for Autoinflammatory syndrome. Last evaluated: 2020-01-01. Review status: criteria provided, single submitter. Criteria: ACMG Guidelines, 2015. Collection method: clinical testing. Allele origin: germline. Affected: yes.

NM_000243.3(MEFV):c.608T>C (p.Leu203Pro)

Gene: MEFV (MEFV innate immunity regulator, pyrin; minus strand). Cytogenetic location: 16p13.3.
Variant type: single nucleotide variant.
Coding change: c.608T>C on transcript NM_000243.3 (MANE Select); coding-DNA position 608, T replaced by C.
Protein change: p.Leu203Pro; replaces leucine 203 with proline.
Molecular consequence: missense variant. On other transcripts: intron variant (1).
Genome position (GRCh38, 1-based): chr16:3,254,460, A>G on the plus strand (T>C on the coding strand, the complement: MEFV is on the minus strand). VCF-style: chr16-3254460-A-G. GRCh37 (hg19) VCF-style: chr16-3304460-A-G.
Other names: c.277+1851T>C (NM_001198536.2); short protein forms L203P.
Identifiers: ClinVar variation 1482223 (VCV001482223.8), dbSNP rs1959084389, ClinGen allele CA394479140.